The following is an entry in ClinVar:

NM_002497.4(NEK2):c.405T>A (p.His135Gln)

Gene: NEK2 (NIMA related kinase 2; minus strand). Cytogenetic location: 1q32.3.
Variant type: single nucleotide variant.
Coding change: c.405T>A on transcript NM_002497.4 (MANE Select); coding-DNA position 405, T replaced by A.
Protein change: p.His135Gln; replaces histidine 135 with glutamine.
Molecular consequence: missense variant.
Genome position (GRCh38, 1-based): chr1:211,673,633, A>T on the plus strand (T>A on the coding strand, the complement: NEK2 is on the minus strand). VCF-style: chr1-211673633-A-T. GRCh37 (hg19) VCF-style: chr1-211846975-A-T.
Other names: c.405T>A, p.His135Gln (NM_001204182.2, NM_001204183.2); short protein forms H135Q.
Identifiers: ClinVar variation 1419622 (VCV001419622.8), dbSNP rs745856837, ClinGen allele CA1381695.
Genomic context (GRCh38, chr1:211,673,633, plus strand): 5'-GACGTTTTGCTTGCCATCCAGGAAAACATTGGCTGGTTTCAGATCCCGATGCAATACGGT[A>T]TGACCACCATCACTTCGTCTGTGGCATTCCTTCAGGGCCAGAGTCAACTGAGTCATCACT-3'
Protein context (NP_002488.1, residues 125-145): KECHRRSDGG[His135Gln]TVLHRDLKPA

ClinVar aggregate classification (germline): Uncertain significance (1 of 4 stars; one submission).

Allele frequency attached by ClinVar (database versions not stated): gnomAD exomes below 0.00001; ExAC 0.00001; gnomAD 0.00001; TOPMed 0.00003.

Submission:

Labcorp Genetics (formerly Invitae), Labcorp
Classification: Uncertain significance. Last evaluated: 2024-02-24. Review status: criteria provided, single submitter. Criteria: Invitae Variant Classification Sherloc (09022015). Collection method: clinical testing. Allele origin: germline.
Comment: This sequence change replaces histidine, which is basic and polar, with glutamine, which is neutral and polar, at codon 135 of the NEK2 protein (p.His135Gln). This variant is present in population databases (rs745856837, gnomAD 0.003%). This variant has not been reported in the literature in individuals affected with NEK2-related conditions. ClinVar contains an entry for this variant (Variation ID: 1419622). An algorithm developed to predict the effect of missense changes on protein structure and function (PolyPhen-2) suggests that this variant is likely to be tolerated. In summary, the available evidence is currently insufficient to determine the role of this variant in disease. Therefore, it has been classified as a Variant of Uncertain Significance.